The following is an entry in ClinVar:

ClinVar aggregate classification (germline): Uncertain significance. Review status: criteria provided, multiple submitters, no conflicts (2 of 4 stars). 2 submissions from 2 submitters: Uncertain significance (2). Last evaluated 2026-04-30.

Conditions:
PGM3-related disorder. Also called: PGM3-related condition.
Immunodeficiency 23 (IMD23). Also called: IMMUNODEFICIENCY WITH HYPER IgE AND COGNITIVE IMPAIRMENT; IMMUNODEFICIENCY-VASCULITIS-MYOCLONUS SYNDROME. Identifiers: Orphanet 443811, MedGen C4014371, MONDO:0014353, OMIM 615816.

gnomAD v4.1: 10 of 1,430,178 alleles (0.0007%); highest among the groups gnomAD compares: Non-Finnish European, 0.00099%; no homozygotes.

Submissions (2):

PreventionGenetics, part of Exact Sciences
Classification: Uncertain significance for PGM3-related condition. Last evaluated: 2026-04-30. Review status: criteria provided, single submitter. Criteria: ACMG Guidelines, 2015. Collection method: clinical testing. Allele origin: germline.
Comment: The PGM3 c.1114-10T>A variant is predicted to interfere with splicing. To our knowledge, this variant has not been reported in the literature or in a large population database (gnomAD), indicating this variant is rare. This variant is predicted to alter splicing based on available splicing prediction programs (SpliceAI, Jaganathan et al. 2019. PubMed ID: 30661751). However, the use of computer prediction programs is not equivalent to functional evidence, and therefore the clinical significance of this variant is uncertain.

Labcorp Genetics (formerly Invitae), Labcorp
Classification: Uncertain significance for Immunodeficiency 23. Last evaluated: 2024-08-20. Review status: criteria provided, single submitter. Criteria: Invitae Variant Classification Sherloc (09022015). Collection method: clinical testing. Allele origin: germline.
Comment: This sequence change falls in intron 9 of the PGM3 gene. It does not directly change the encoded amino acid sequence of the PGM3 protein. This variant is not present in population databases (gnomAD no frequency). This variant has not been reported in the literature in individuals affected with PGM3-related conditions. ClinVar contains an entry for this variant (Variation ID: 934895). Algorithms developed to predict the effect of sequence changes on RNA splicing suggest that this variant may disrupt the consensus splice site. In summary, the available evidence is currently insufficient to determine the role of this variant in disease. Therefore, it has been classified as a Variant of Uncertain Significance.

NM_015599.3(PGM3):c.1030-10T>A

Gene: PGM3 (phosphoglucomutase 3; minus strand). Cytogenetic location: 6q14.1.
Variant type: single nucleotide variant.
Coding change: c.1030-10T>A on transcript NM_015599.3 (MANE Select); 10 bases into the intron before coding-DNA position 1030, T replaced by A.
Molecular consequence: intron variant.
Genome position (GRCh38, 1-based): chr6:83,176,070, A>T on the plus strand (T>A on the coding strand, the complement: PGM3 is on the minus strand). VCF-style: chr6-83176070-A-T. GRCh37 (hg19) VCF-style: chr6-83885789-A-T.
Other names: c.1114-10T>A (NM_001199917.2, NM_001367287.1); c.787-10T>A (NM_001199918.2); c.1030-10T>A (NM_001367286.1, NM_001199919.2).
Identifiers: ClinVar variation 934895 (VCV000934895.10), dbSNP rs368294786, ClinGen allele CA141946626.
Genomic context (GRCh38, chr6:83,176,070, plus strand): 5'-AGCCTTGTGGTGCAAATGTTTTACACCAGTCTTAGTGCAATAGACAGGTACCTATAACAC[A>T]TGCATTTAAAGAAATACAGCAATTACTCAGATGTCAAATGTTTCTTGCATACCTAGTATC-3'